The following is an entry in ClinVar:

ClinVar aggregate classification (germline): Uncertain significance (1 of 4 stars; one submission).

Conditions:
Arthrogryposis, distal, type 1A. Also called: ARTHROGRYPOSIS MULTIPLEX CONGENITA, DISTAL, TYPE I. Identifiers: Orphanet 1146, MedGen C6022280, MONDO:0007157, OMIM 108120.

Submission:

Labcorp Genetics (formerly Invitae), Labcorp
Classification: Uncertain significance for Arthrogryposis, distal, type 1A. Last evaluated: 2024-07-16. Review status: criteria provided, single submitter. Criteria: Invitae Variant Classification Sherloc (09022015). Collection method: clinical testing. Allele origin: germline.
Comment: This sequence change replaces aspartic acid, which is acidic and polar, with histidine, which is basic and polar, at codon 14 of the TPM2 protein (p.Asp14His). This variant is not present in population databases (gnomAD no frequency). This variant has not been reported in the literature in individuals affected with TPM2-related conditions. An algorithm developed to predict the effect of missense changes on protein structure and function (PolyPhen-2) suggests that this variant is likely to be disruptive. This variant disrupts the p.Asp14 amino acid residue in TPM2. Other variant(s) that disrupt this residue have been determined to be pathogenic (PMID: 22980765, 24692096; Invitae). This suggests that this residue is clinically significant, and that variants that disrupt this residue are likely to be disease-causing. In summary, the available evidence is currently insufficient to determine the role of this variant in disease. Therefore, it has been classified as a Variant of Uncertain Significance.

Literature cited by the submitters: PubMed 22980765; PubMed 24692096.

NM_003289.4(TPM2):c.40G>C (p.Asp14His)

Gene: TPM2 (tropomyosin 2; minus strand). Cytogenetic location: 9p13.3.
Variant type: single nucleotide variant.
Coding change: c.40G>C on transcript NM_003289.4 (MANE Select); coding-DNA position 40, G replaced by C.
Protein change: p.Asp14His; replaces aspartic acid 14 with histidine.
Molecular consequence: missense variant.
Genome position (GRCh38, 1-based): chr9:35,689,778, C>G on the plus strand (G>C on the coding strand, the complement: TPM2 is on the minus strand). VCF-style: chr9-35689778-C-G. GRCh37 (hg19) VCF-style: chr9-35689775-C-G.
Other names: c.40G>C, p.Asp14His (NM_001301226.2, NM_001301227.2, NM_213674.1); short protein forms D14H.
Identifiers: ClinVar variation 3659532 (VCV003659532.2).
Genomic context (GRCh38, chr9:35,689,778, plus strand): 5'-CCTCAGCTTGCTTCTTGTCGGCTTCGGCCTGCTCGGCGCGGTCGATGGCGTTCTCCTTGT[C>G]CAGCTTCAGCATCTGCATCTTCTTCTTGATGGCGTCCATGGCTGCGGTGGGGGGTGGGCC-3'
Protein context (NP_003280.2, residues 4-24): IKKKMQMLKL[Asp14His]KENAIDRAEQ